The following is an entry in ClinVar:

ClinVar aggregate classification (germline): Uncertain significance (1 of 4 stars; one submission).

Allele frequency attached by ClinVar (database versions not stated): gnomAD exomes below 0.00001.

Submission:

Labcorp Genetics (formerly Invitae), Labcorp
Classification: Uncertain significance. Last evaluated: 2023-08-14. Review status: criteria provided, single submitter. Criteria: Invitae Variant Classification Sherloc (09022015). Collection method: clinical testing. Allele origin: germline.
Comment: This variant has not been reported in the literature in individuals affected with ERBB2-related conditions. Advanced modeling of protein sequence and biophysical properties (such as structural, functional, and spatial information, amino acid conservation, physicochemical variation, residue mobility, and thermodynamic stability) performed at Invitae indicates that this missense variant is expected to disrupt ERBB2 protein function. This sequence change replaces serine, which is neutral and polar, with arginine, which is basic and polar, at codon 903 of the ERBB2 protein (p.Ser903Arg). This variant is not present in population databases (gnomAD no frequency). In summary, the available evidence is currently insufficient to determine the role of this variant in disease. Therefore, it has been classified as a Variant of Uncertain Significance.

NM_004448.4(ERBB2):c.2707A>C (p.Ser903Arg)

Gene: ERBB2 (erb-b2 receptor tyrosine kinase 2; plus strand). Cytogenetic location: 17q12.
Variant type: single nucleotide variant.
Coding change: c.2707A>C on transcript NM_004448.4 (MANE Select); coding-DNA position 2707, A replaced by C.
Protein change: p.Ser903Arg; replaces serine 903 with arginine.
Molecular consequence: missense variant. On other transcripts: non-coding transcript variant (1), intron variant (1).
Genome position (GRCh38, 1-based): chr17:39,725,384, A>C. VCF-style: chr17-39725384-A-C. GRCh37 (hg19) VCF-style: chr17-37881637-A-C.
Other names: c.2617A>C, p.Ser873Arg (NM_001005862.3, NM_001382782.1, NM_001382783.1); c.2662A>C, p.Ser888Arg (NM_001289936.2); c.2707A>C, p.Ser903Arg (NM_001289937.2, NM_001382796.1); c.2824A>C, p.Ser942Arg (NM_001382784.1); c.2809A>C, p.Ser937Arg (NM_001382785.1); c.2788A>C, p.Ser930Arg (NM_001382786.1); c.2782A>C, p.Ser928Arg (NM_001382787.1); c.2737A>C, p.Ser913Arg (NM_001382788.1); and 15 more; short protein forms S557R, S817R, S835R, S873R, S887R, S902R, S930R, S937R.
Identifiers: ClinVar variation 2906188 (VCV002906188.3), dbSNP rs2145876307, ClinGen allele CA399305646.
Genomic context (GRCh38, chr17:39,725,384, plus strand): 5'-CAGGTGCCCATCAAGTGGATGGCGCTGGAGTCCATTCTCCGCCGGCGGTTCACCCACCAG[A>C]GTGATGTGTGGAGTTATGGTGTGTGATGGGGGGTGTTGGGAGGGGTGGGTGAGGAGCCAT-3'
Protein context (NP_004439.2, residues 893-913): SILRRRFTHQ[Ser903Arg]DVWSYGVTVW